The following is an entry in ClinVar:

ClinVar aggregate classification (germline): Uncertain significance (1 of 4 stars; one submission).

Submission:

Labcorp Genetics (formerly Invitae), Labcorp
Classification: Uncertain significance. Last evaluated: 2022-10-05. Review status: criteria provided, single submitter. Criteria: Invitae Variant Classification Sherloc (09022015). Collection method: clinical testing. Allele origin: germline.
Comment: This sequence change replaces proline, which is neutral and non-polar, with alanine, which is neutral and non-polar, at codon 1476 of the COL4A2 protein (p.Pro1476Ala). This variant is not present in population databases (gnomAD no frequency). This variant has not been reported in the literature in individuals affected with COL4A2-related conditions. ClinVar contains an entry for this variant (Variation ID: 1518657). Advanced modeling of protein sequence and biophysical properties (such as structural, functional, and spatial information, amino acid conservation, physicochemical variation, residue mobility, and thermodynamic stability) performed at Invitae indicates that this missense variant is not expected to disrupt COL4A2 protein function. In summary, the available evidence is currently insufficient to determine the role of this variant in disease. Therefore, it has been classified as a Variant of Uncertain Significance.

NM_001846.4(COL4A2):c.4426C>G (p.Pro1476Ala)

Genes: COL4A2 (collagen type IV alpha 2 chain; plus strand), COL4A2-AS1 (COL4A2 antisense RNA 1; minus strand). Cytogenetic location: 13q34.
Variant type: single nucleotide variant.
Coding change: c.4426C>G on transcript NM_001846.4 (MANE Select); coding-DNA position 4426, C replaced by G.
Protein change: p.Pro1476Ala; replaces proline 1476 with alanine.
Molecular consequence: missense variant.
Genome position (GRCh38, 1-based): chr13:110,506,438, C>G. VCF-style: chr13-110506438-C-G. GRCh37 (hg19) VCF-style: chr13-111158785-C-G.
Other names: short protein forms P1476A.
Identifiers: ClinVar variation 1518657 (VCV001518657.8), dbSNP rs2139558047, ClinGen allele CA388739640.